The following is an entry in ClinVar:

ClinVar aggregate classification (germline): Pathogenic/Likely pathogenic. Review status: criteria provided, multiple submitters, no conflicts (2 of 4 stars). 3 submissions from 3 submitters: Pathogenic (1); Likely pathogenic (2). Last evaluated 2023-12-06.

Conditions:
Dilated cardiomyopathy 1G (CMD1G). Identifiers: Orphanet 154, MedGen C1858763, MONDO:0011400, OMIM 604145.
Autosomal recessive limb-girdle muscular dystrophy type 2J (LGMDR10). Also called: MUSCULAR DYSTROPHY, LIMB-GIRDLE, AUTOSOMAL RECESSIVE 10; Limb-girdle muscular dystrophy, type 2J. Identifiers: Orphanet 140922, MedGen C1837342, MONDO:0012127, OMIM 608807.
Primary dilated cardiomyopathy (DCM). Also called: Dilated Cardiomyopathy. Identifiers: Orphanet 217604, MedGen C0007193, MeSH D002311, MONDO:0005021, HP:0001644. Inheritance: Various modes of inheritance.

Submissions (3):

Labcorp Genetics (formerly Invitae), Labcorp
Classification: Likely pathogenic for Dilated cardiomyopathy 1G; Autosomal recessive limb-girdle muscular dystrophy type 2J. Last evaluated: 2023-12-06. Review status: criteria provided, single submitter. Criteria: Invitae Variant Classification Sherloc (09022015). Collection method: clinical testing. Allele origin: germline.
Comment: This sequence change creates a premature translational stop signal (p.Gln35397*) in the TTN gene. While this is not anticipated to result in nonsense mediated decay, it is expected to create a truncated TTN protein. This variant is not present in population databases (gnomAD no frequency). This variant has not been reported in the literature in individuals affected with TTN-related conditions. ClinVar contains an entry for this variant (Variation ID: 2133539). This variant is located in the M band of TTN (PMID: 25589632). Truncating variants in this region have been previously reported in individuals affected with autosomal recessive myopathy and muscular dystrophy (PMID: 18948003, 23975875, 24395473). Truncating variants in this region have also been identified in individuals affected with autosomal dominant dilated cardiomyopathy and/or cardio-related conditions (PMID: 27869827, 32964742). In summary, the currently available evidence indicates that the variant is pathogenic, but additional data are needed to prove that conclusively. Therefore, this variant has been classified as Likely Pathogenic.

Laboratory for Molecular Medicine, Mass General Brigham Personalized Medicine
Classification: Likely pathogenic for Primary dilated cardiomyopathy. Last evaluated: 2022-11-03. Review status: criteria provided, single submitter. Criteria: ACMG Guidelines, 2015. Collection method: clinical testing. Allele origin: germline.
Comment: The p.Gln32829X variant in TTN has not been previously reported in individuals with DCM and was absent from large population studies. This nonsense variant leads to a premature termination codon at position 32829, which is predicted to lead to a truncated or absent protein. Nonsense and other truncating variants in TTN are strongly associated with DCM if they impact the exons encoding for the A-band (Herman 2012, Pugh 2014) and/or are located in an exon that is highly expressed in the heart (Roberts 2015). The p.Gln32829X variant is located in a highly expressed exon in the M-band. In summary, although additional studies are required to fully establish its clinical significance, this variant meets criteria to be classified as likely pathogenic for autosomal dominant DCM. ACMG/AMP Criteria applied: PVS1, PM2_Supporting.

GeneDx
Classification: Pathogenic. Last evaluated: 2022-08-16. Review status: criteria provided, single submitter. Criteria: GeneDx Variant Classification Process June 2021. Collection method: clinical testing. Allele origin: germline. Affected: yes.
Comment: Has not been previously published as pathogenic or benign to our knowledge; Not observed at significant frequency in large population cohorts (gnomAD); Nonsense variant predicted to result in protein truncation or nonsense mediated decay in a gene for which loss of function is a known mechanism of disease; Located in the M-line region of TTN in which the majority of loss of function variants have been associated with autosomal recessive titinopathies (Carmignac et al., 2007); This variant is associated with the following publications: (PMID: 23975875)

Literature cited by the submitters: PubMed 25589632 (cited by Labcorp Genetics (formerly Invitae), Labcorp); PubMed 18948003 (cited by Labcorp Genetics (formerly Invitae), Labcorp); PubMed 23975875 (cited by Labcorp Genetics (formerly Invitae), Labcorp); PubMed 24395473 (cited by Labcorp Genetics (formerly Invitae), Labcorp); PubMed 27869827 (cited by Labcorp Genetics (formerly Invitae), Labcorp); PubMed 32964742 (cited by Labcorp Genetics (formerly Invitae), Labcorp).

NM_001267550.2(TTN):c.106189C>T (p.Gln35397Ter)

Genes: TTN-AS1 (TTN antisense RNA 1; plus strand), TTN (titin; minus strand), LOC129935182 (ATAC-STARR-seq lymphoblastoid active region 16807; plus strand). Cytogenetic location: 2q31.2.
Variant type: single nucleotide variant.
Coding change: c.106189C>T on transcript NM_001267550.2 (MANE Select); coding-DNA position 106189, C replaced by T.
Protein change: p.Gln35397Ter; replaces glutamine 35397 with a stop codon.
Molecular consequence: nonsense.
Genome position (GRCh38, 1-based): chr2:178,530,426, G>A on the plus strand (C>T on the coding strand, the complement: TTN is on the minus strand). VCF-style: chr2-178530426-G-A. GRCh37 (hg19) VCF-style: chr2-179395153-G-A.
Other names: c.101266C>T, p.Gln33756Ter (NM_001256850.1); c.78994C>T, p.Gln26332Ter (NM_003319.4); c.98485C>T, p.Gln32829Ter (NM_133378.4); c.79369C>T, p.Gln26457Ter (NM_133432.3); c.79570C>T, p.Gln26524Ter (NM_133437.4); short protein forms Q32829*, Q33756*, Q26457*, Q26524*, Q35397*, Q26332*.
Identifiers: ClinVar variation 2133539 (VCV002133539.6), dbSNP rs2468369388, ClinGen allele CA349406699.